The following is an entry in ClinVar:

ClinVar aggregate classification (germline): Likely benign. Review status: criteria provided, single submitter (1 of 4 stars). 2 submissions from 2 submitters: Likely benign (1). 1 of the submissions does not count toward it. Last evaluated 2025-05-05.

Conditions:
NPHP1-related disorder. Also called: NPHP1-related condition; NPHP1-related disorders.
Nephronophthisis. Also called: Juvenile Nephronophthisis. Identifiers: Orphanet 655, MedGen C0687120, MONDO:0019005, HP:0000090.

gnomAD v4.1: 3 of 1,437,566 alleles (0.00021%); highest among the groups gnomAD compares: Non-Finnish European, 0.000098%; no homozygotes.

Submissions (2):

Labcorp Genetics (formerly Invitae), Labcorp
Classification: Likely benign for Nephronophthisis. Last evaluated: 2025-05-05. Review status: criteria provided, single submitter. Criteria: Invitae Variant Classification Sherloc (09022015). Collection method: clinical testing. Allele origin: germline.

PreventionGenetics, part of Exact Sciences
Classification: Likely benign for NPHP1-related condition. Last evaluated: 2024-08-06. Review status: no assertion criteria provided. Collection method: clinical testing. Allele origin: germline. Not counted in ClinVar's aggregate classification.
Comment: This variant is classified as likely benign based on ACMG/AMP sequence variant interpretation guidelines (Richards et al. 2015 PMID: 25741868, with internal and published modifications).

NM_001128178.3(NPHP1):c.1269+9G>C

Gene: NPHP1 (nephrocystin 1; minus strand). Cytogenetic location: 2q13.
Variant type: single nucleotide variant.
Coding change: c.1269+9G>C on transcript NM_001128178.3 (MANE Select); 9 bases into the intron after coding-DNA position 1269, G replaced by C.
Molecular consequence: intron variant.
Genome position (GRCh38, 1-based): chr2:110,147,907, C>G on the plus strand (G>C on the coding strand, the complement: NPHP1 is on the minus strand). VCF-style: chr2-110147907-C-G. GRCh37 (hg19) VCF-style: chr2-110905484-C-G.
Other names: c.1437+9G>C (NM_000272.3, NM_000272.5); c.1080+9G>C (NM_001128179.3); c.1266+9G>C (NM_001374256.1); c.1269+9G>C (NM_001374257.1); c.1434+9G>C (NM_207181.4).
Identifiers: ClinVar variation 1626601 (VCV001626601.9), dbSNP rs13414551, ClinGen allele CA1827086.